The following is an entry in ClinVar:

NM_022356.4(P3H1):c.1026C>T (p.Ala342=)

Gene: P3H1 (prolyl 3-hydroxylase 1; minus strand). Cytogenetic location: 1p34.2.
Variant type: single nucleotide variant.
Coding change: c.1026C>T on transcript NM_022356.4 (MANE Select); coding-DNA position 1026, C replaced by T.
Protein change: p.Ala342=; no amino-acid change (alanine 342 retained).
Molecular consequence: synonymous variant.
Genome position (GRCh38, 1-based): chr1:42,757,837, G>A on the plus strand (C>T on the coding strand, the complement: P3H1 is on the minus strand). VCF-style: chr1-42757837-G-A. GRCh37 (hg19) VCF-style: chr1-43223508-G-A.
Other names: p.Ala342=; c.1026C>T, p.Ala342= (NM_001146289.2, NM_001243246.2).
Identifiers: ClinVar variation 379768 (VCV000379768.29), dbSNP rs61100157, ClinGen allele CA801999.

ClinVar aggregate classification (germline): Conflicting classifications of pathogenicity. Review status: criteria provided, conflicting classifications (1 of 4 stars). 7 submissions from 6 submitters: Uncertain significance (1); Benign (6). Last evaluated 2026-01-29.

Conditions:
Osteogenesis imperfecta (OI). Identifiers: Orphanet 666, MedGen C0029434, MeSH D010013, MONDO:0019019.
Osteogenesis imperfecta type 8 (OI8). Identifiers: MedGen C1970458, MONDO:0012581, OMIM 610915.
Osteogenesis Imperfecta, Recessive.

Allele frequency attached by ClinVar (database versions not stated): gnomAD exomes 0.00146 and 0.00396; ExAC 0.00460; ESP Exome Variant Server 0.01476; gnomAD 0.01480 and 0.01581; TOPMed 0.01663; 1000 Genomes Project 0.01757; 1000 Genomes Project 30x 0.01858.
gnomAD v4.1: 4,484 of 1,614,186 alleles (0.28%); highest among the groups gnomAD compares: African/African-American, 5.2%; 114 homozygotes.

Submissions (7):

Labcorp Genetics (formerly Invitae), Labcorp
Classification: Benign for Osteogenesis imperfecta type 8. Last evaluated: 2026-01-29. Review status: criteria provided, single submitter. Criteria: Invitae Variant Classification Sherloc (09022015). Collection method: clinical testing. Allele origin: germline.

ARUP Laboratories, Molecular Genetics and Genomics, ARUP Laboratories
Classification: Benign for Osteogenesis imperfecta type 8. Last evaluated: 2024-12-27. Review status: criteria provided, single submitter. Criteria: ARUP Molecular Germline Variant Investigation Process 2024. Collection method: clinical testing. Allele origin: germline.

Mayo Clinic Laboratories, Mayo Clinic
Classification: Benign. Last evaluated: 2023-03-12. Review status: criteria provided, single submitter. Criteria: ACMG Guidelines, 2015. Collection method: clinical testing. Allele origin: germline. Observed: 4 variant alleles.

Genome Diagnostics Laboratory, The Hospital for Sick Children
Classification: Benign for Osteogenesis imperfecta. Last evaluated: 2021-09-13. Review status: criteria provided, single submitter. Criteria: ACMG Guidelines, 2015. Collection method: clinical testing. Allele origin: germline.

Illumina Laboratory Services, Illumina
Classification: Benign for Osteogenesis imperfecta type 8. Last evaluated: 2018-01-12. Review status: criteria provided, single submitter. Criteria: ICSL Variant Classification Criteria 13 December 2019. Collection method: clinical testing. Allele origin: germline.
Comment: This variant was observed in the ICSL laboratory as part of a predisposition screen in an ostensibly healthy population. It had not been previously curated by ICSL or reported in the Human Gene Mutation Database (HGMD: prior to June 1st, 2018), and was therefore a candidate for classification through an automated scoring system. Utilizing variant allele frequency, disease prevalence and penetrance estimates, and inheritance mode, an automated score was calculated to assess if this variant is too frequent to cause the disease. Based on the score and internal cut-off values, a variant classified as benign is not then subjected to further curation. The score for this variant resulted in a classification of benign for this disease.

Illumina Laboratory Services, Illumina
Classification: Uncertain significance for Osteogenesis Imperfecta, Recessive. Last evaluated: 2017-04-27. Review status: criteria provided, single submitter. Criteria: ICSL Variant Classification Criteria 13 December 2019. Collection method: clinical testing. Allele origin: germline.

GeneDx
Classification: Benign. Last evaluated: 2016-10-10. Review status: criteria provided, single submitter. Criteria: GeneDx Variant Classification (06012015). Collection method: clinical testing. Allele origin: germline. Affected: yes.
Comment: This variant is considered likely benign or benign based on one or more of the following criteria: it is a conservative change, it occurs at a poorly conserved position in the protein, it is predicted to be benign by multiple in silico algorithms, and/or has population frequency not consistent with disease.